The following is an entry in ClinVar:

ClinVar aggregate classification (germline): Uncertain significance (0 of 4 stars; one submission).

Conditions:
SEMA3G-related disorder. Also called: SEMA3G-related condition.

gnomAD v4.1: 12 of 1,603,066 alleles (0.00075%); highest among the groups gnomAD compares: South Asian, 0.0067%; no homozygotes.

Submission:

PreventionGenetics, part of Exact Sciences
Classification: Uncertain significance for SEMA3G-related condition. Last evaluated: 2024-05-13. Review status: no assertion criteria provided. Collection method: clinical testing. Allele origin: germline.
Comment: The SEMA3G c.526C>T variant is predicted to result in the amino acid substitution p.Arg176Cys. To our knowledge, this variant has not been reported in the literature. This variant is reported in 0.021% of alleles in individuals of South Asian descent in gnomAD. At this time, the clinical significance of this variant is uncertain due to the absence of conclusive functional and genetic evidence.

NM_020163.3(SEMA3G):c.526C>T (p.Arg176Cys)

Gene: SEMA3G (semaphorin 3G; minus strand). Cytogenetic location: 3p21.1.
Variant type: single nucleotide variant.
Coding change: c.526C>T on transcript NM_020163.3 (MANE Select); coding-DNA position 526, C replaced by T.
Protein change: p.Arg176Cys; replaces arginine 176 with cysteine.
Molecular consequence: missense variant.
Genome position (GRCh38, 1-based): chr3:52,441,843, G>A on the plus strand (C>T on the coding strand, the complement: SEMA3G is on the minus strand). VCF-style: chr3-52441843-G-A. GRCh37 (hg19) VCF-style: chr3-52475859-G-A.
Other names: short protein forms R176C.
Identifiers: ClinVar variation 3358847 (VCV003358847.1).